The following is an entry in ClinVar:

NM_002474.3(MYH11):c.531-13C>A

Gene: MYH11 (myosin heavy chain 11; minus strand). Cytogenetic location: 16p13.11.
Variant type: single nucleotide variant.
Coding change: c.531-13C>A on transcript NM_002474.3 (MANE Select); 13 bases into the intron before coding-DNA position 531, C replaced by A.
Molecular consequence: intron variant.
Genome position (GRCh38, 1-based): chr16:15,786,745, G>T on the plus strand (C>A on the coding strand, the complement: MYH11 is on the minus strand). VCF-style: chr16-15786745-G-T. GRCh37 (hg19) VCF-style: chr16-15880602-G-T.
Other names: c.531-13C>A (NM_022844.3, NM_001040114.2, NM_001040113.2).
Identifiers: ClinVar variation 2773878 (VCV002773878.6), dbSNP rs1424389771, ClinGen allele CA621064238.

ClinVar aggregate classification (germline): Conflicting classifications of pathogenicity. Review status: criteria provided, conflicting classifications (1 of 4 stars). 3 submissions from 3 submitters: Uncertain significance (1); Likely benign (2). Last evaluated 2025-09-04.

Conditions:
Familial thoracic aortic aneurysm and aortic dissection (TAAD). Also called: Thoracic aortic aneurysms and dissections. Identifiers: Orphanet 91387, MedGen C4707243, MONDO:0019625.
Aortic aneurysm, familial thoracic 4 (AAT4). Also called: AORTIC ANEURYSM/AORTIC DISSECTION AND PATENT DUCTUS ARTERIOSUS. Identifiers: MedGen C1851504, MONDO:0007568, OMIM 132900.

Allele frequency attached by ClinVar (database versions not stated): gnomAD 0.00001; gnomAD exomes 0.00001; TOPMed 0.00001.
gnomAD v4.1: 17 of 1,611,082 alleles (0.0011%); highest among the groups gnomAD compares: East Asian, 0.0045%; no homozygotes.

Submissions (3):

Color Diagnostics, LLC DBA Color Health
Classification: Likely benign for Familial thoracic aortic aneurysm and aortic dissection. Last evaluated: 2025-09-04. Review status: criteria provided, single submitter. Criteria: ACMG Guidelines, 2015. Collection method: clinical testing. Allele origin: germline.

Labcorp Genetics (formerly Invitae), Labcorp
Classification: Likely benign for Aortic aneurysm, familial thoracic 4. Last evaluated: 2024-11-15. Review status: criteria provided, single submitter. Criteria: Invitae Variant Classification Sherloc (09022015). Collection method: clinical testing. Allele origin: germline.

All of Us Research Program, National Institutes of Health
Classification: Uncertain significance for Familial thoracic aortic aneurysm and aortic dissection. Last evaluated: 2023-08-23. Review status: criteria provided, single submitter. Criteria: ACMG Guidelines, 2015. Collection method: clinical testing. Allele origin: germline. Inheritance: Autosomal dominant inheritance. Observed: 1 variant allele, 1 heterozygote.
Comment: This variant causes a C to A nucleotide substitution at the -13 position of intron 4 of the MYH11 gene. Splice prediction tools and conservation analysis are inconclusive regarding the impact of this variant on RNA splicing. To our knowledge, functional studies have not been reported for this variant. This variant has not been reported in individuals affected with MYH11-related disorders in the literature. This variant has been identified in 2/249266 chromosomes in the general population by the Genome Aggregation Database (gnomAD). The available evidence is insufficient to determine the role of this variant in disease conclusively. Therefore, this variant is classified as a Variant of Uncertain Significance.

This study involves interpretation of variants in research participants for the purpose of population health screening. Participant phenotype was not available at the time of variant classification. Additional details can be found in publication PMID: 35346344, PMCID: PMC8962531